The following is an entry in ClinVar:

ClinVar aggregate classification (germline): Likely benign. Review status: criteria provided, multiple submitters, no conflicts (2 of 4 stars). 3 submissions from 3 submitters: Likely benign (3). Last evaluated 2025-05-26.

Conditions:
RYR1-related disorder. Also called: RYR1-related disorders; RYR1-related condition. Identifiers: MedGen CN239331.
Malignant hyperthermia, susceptibility to, 1 (MHS1). Also called: RYR1-Related Malignant Hyperthermia Susceptibility; Anesthesia related hyperthermia; Malignant hyperpyrexia; Fulminating hyperpyrexia; Pharmacogenic myopathy; Malignant hyperthermia suceptibility 1. Identifiers: Orphanet 423, MedGen C2930980, MONDO:0007783, OMIM 145600.

Allele frequency attached by ClinVar (database versions not stated): gnomAD 0.00001; ExAC 0.00002; gnomAD exomes 0.00002 and 0.00003; TOPMed 0.00002.
gnomAD v4.1: 29 of 1,613,914 alleles (0.0018%); highest among the groups gnomAD compares: South Asian, 0.0077%; no homozygotes.

Submissions (3):

Labcorp Genetics (formerly Invitae), Labcorp
Classification: Likely benign for RYR1-related disorder. Last evaluated: 2025-05-26. Review status: criteria provided, single submitter. Criteria: Invitae Variant Classification Sherloc (09022015). Collection method: clinical testing. Allele origin: germline.

Color Diagnostics, LLC DBA Color Health
Classification: Likely benign for Malignant hyperthermia, susceptibility to, 1. Last evaluated: 2024-02-14. Review status: criteria provided, single submitter. Criteria: ACMG Guidelines, 2015. Collection method: clinical testing. Allele origin: germline.

GeneDx
Classification: Likely benign. Last evaluated: 2018-04-23. Review status: criteria provided, single submitter. Criteria: GeneDx Variant Classification (06012015). Collection method: clinical testing. Allele origin: germline. Affected: yes.
Comment: This variant is considered likely benign or benign based on one or more of the following criteria: it is a conservative change, it occurs at a poorly conserved position in the protein, it is predicted to be benign by multiple in silico algorithms, and/or has population frequency not consistent with disease.

NM_000540.3(RYR1):c.14718G>A (p.Ala4906=)

Gene: RYR1 (ryanodine receptor 1; plus strand). Cytogenetic location: 19q13.2.
Variant type: single nucleotide variant.
Coding change: c.14718G>A on transcript NM_000540.3 (MANE Select); coding-DNA position 14718, G replaced by A.
Protein change: p.Ala4906=; no amino-acid change (alanine 4906 retained).
Molecular consequence: synonymous variant.
Genome position (GRCh38, 1-based): chr19:38,585,014, G>A. VCF-style: chr19-38585014-G-A. GRCh37 (hg19) VCF-style: chr19-39075654-G-A.
Other names: c.14703G>A, p.Ala4901= (NM_001042723.2).
Identifiers: ClinVar variation 682400 (VCV000682400.10), dbSNP rs575960373, ClinGen allele CA061546.